The following is an entry in ClinVar:

ClinVar aggregate classification (germline): Uncertain significance (1 of 4 stars; one submission).

Conditions:
Majeed syndrome (MJDS). Also called: CHRONIC RECURRENT MULTIFOCAL OSTEOMYELITIS 1, WITH CONGENITAL DYSERYTHROPOIETIC ANEMIA, WITH OR WITHOUT NEUTROPHILIC DERMATOSIS; LPIN2-Related Majeed Syndrome. Identifiers: Orphanet 77297, MedGen C1864997, MONDO:0012316, OMIM 609628.

Allele frequency attached by ClinVar (database versions not stated): gnomAD exomes below 0.00001; ExAC 0.00001.
gnomAD v4.1: 4 of 1,614,118 alleles (0.00025%); highest among the groups gnomAD compares: Non-Finnish European, 0.00034%; no homozygotes.

Submission:

Labcorp Genetics (formerly Invitae), Labcorp
Classification: Uncertain significance for Majeed syndrome. Last evaluated: 2022-08-23. Review status: criteria provided, single submitter. Criteria: Invitae Variant Classification Sherloc (09022015). Collection method: clinical testing. Allele origin: germline.
Comment: This sequence change replaces valine, which is neutral and non-polar, with glycine, which is neutral and non-polar, at codon 382 of the LPIN2 protein (p.Val382Gly). This variant is present in population databases (rs751176955, gnomAD 0.0009%). This variant has not been reported in the literature in individuals affected with LPIN2-related conditions. ClinVar contains an entry for this variant (Variation ID: 953748). Algorithms developed to predict the effect of missense changes on protein structure and function (SIFT, PolyPhen-2, Align-GVGD) all suggest that this variant is likely to be tolerated. In summary, the available evidence is currently insufficient to determine the role of this variant in disease. Therefore, it has been classified as a Variant of Uncertain Significance.

NM_001375808.2(LPIN2):c.1145T>G (p.Val382Gly)

Gene: LPIN2 (lipin 2; minus strand). Cytogenetic location: 18p11.31.
Variant type: single nucleotide variant.
Coding change: c.1145T>G on transcript NM_001375808.2 (MANE Select); coding-DNA position 1145, T replaced by G.
Protein change: p.Val382Gly; replaces valine 382 with glycine.
Molecular consequence: missense variant.
Genome position (GRCh38, 1-based): chr18:2,937,715, A>C on the plus strand (T>G on the coding strand, the complement: LPIN2 is on the minus strand). VCF-style: chr18-2937715-A-C. GRCh37 (hg19) VCF-style: chr18-2937713-A-C.
Other names: c.1145T>G, p.Val382Gly (NM_001375809.1, NM_014646.2); short protein forms V382G.
Identifiers: ClinVar variation 953748 (VCV000953748.7), dbSNP rs751176955, ClinGen allele CA8873201.